The following is an entry in ClinVar:

ClinVar aggregate classification (germline): Uncertain significance. Review status: criteria provided, multiple submitters, no conflicts (2 of 4 stars). 3 submissions from 3 submitters: Uncertain significance (3). Last evaluated 2024-12-19.

Conditions:
Aortic aneurysm, familial thoracic 4 (AAT4). Also called: AORTIC ANEURYSM/AORTIC DISSECTION AND PATENT DUCTUS ARTERIOSUS. Identifiers: MedGen C1851504, MONDO:0007568, OMIM 132900.
Familial thoracic aortic aneurysm and aortic dissection (TAAD). Also called: Thoracic aortic aneurysms and dissections. Identifiers: Orphanet 91387, MedGen C4707243, MONDO:0019625.

gnomAD v4.1: 1 of 1,612,014 alleles (0.000062%); highest among the groups gnomAD compares: South Asian, 0.0011%; no homozygotes.

Submissions (3):

Labcorp Genetics (formerly Invitae), Labcorp
Classification: Uncertain significance for Aortic aneurysm, familial thoracic 4. Last evaluated: 2024-12-19. Review status: criteria provided, single submitter. Criteria: Invitae Variant Classification Sherloc (09022015). Collection method: clinical testing. Allele origin: germline.
Comment: This sequence change replaces glycine, which is neutral and non-polar, with tryptophan, which is neutral and slightly polar, at codon 1245 of the MYH11 protein (p.Gly1245Trp). This variant is present in population databases (no rsID available, gnomAD 0.003%). This variant has not been reported in the literature in individuals affected with MYH11-related conditions. ClinVar contains an entry for this variant (Variation ID: 629746). Invitae Evidence Modeling of protein sequence and biophysical properties (such as structural, functional, and spatial information, amino acid conservation, physicochemical variation, residue mobility, and thermodynamic stability) indicates that this missense variant is not expected to disrupt MYH11 protein function with a negative predictive value of 95%. In summary, the available evidence is currently insufficient to determine the role of this variant in disease. Therefore, it has been classified as a Variant of Uncertain Significance.

All of Us Research Program, National Institutes of Health
Classification: Uncertain significance for Familial thoracic aortic aneurysm and aortic dissection. Last evaluated: 2024-08-06. Review status: criteria provided, single submitter. Criteria: ACMG Guidelines, 2015. Collection method: clinical testing. Allele origin: germline. Inheritance: Autosomal dominant inheritance. Observed: 1 variant allele, 1 heterozygote.
Comment: This missense variant replaces glycine with tryptophan at codon 1245 of the MYH11 protein. Computational prediction suggests that this variant may not impact protein structure and function (internally defined REVEL score threshold <= 0.5, PMID: 27666373). To our knowledge, functional studies have not been reported for this variant. This variant has not been reported in individuals affected with cardiovascular disorders in the literature. This variant has been identified in 1/251198 chromosomes in the general population by the Genome Aggregation Database (gnomAD). The available evidence is insufficient to determine the role of this variant in disease conclusively. Therefore, this variant is classified as a Variant of Uncertain Significance.

This study involves interpretation of variants in research participants for the purpose of population health screening. Participant phenotype was not available at the time of variant classification. Additional details can be found in publication PMID: 35346344, PMCID: PMC8962531

Color Diagnostics, LLC DBA Color Health
Classification: Uncertain significance for Familial thoracic aortic aneurysm and aortic dissection. Last evaluated: 2024-03-06. Review status: criteria provided, single submitter. Criteria: ACMG Guidelines, 2015. Collection method: clinical testing. Allele origin: germline.
Comment: This missense variant replaces glycine with tryptophan at codon 1245 of the MYH11 protein. Computational prediction suggests that this variant may not impact protein structure and function (internally defined REVEL score threshold <= 0.5, PMID: 27666373). To our knowledge, functional studies have not been reported for this variant. This variant has not been reported in individuals affected with cardiovascular disorders in the literature. This variant has been identified in 1/251198 chromosomes in the general population by the Genome Aggregation Database (gnomAD). The available evidence is insufficient to determine the role of this variant in disease conclusively. Therefore, this variant is classified as a Variant of Uncertain Significance.

NM_002474.3(MYH11):c.3712G>T (p.Gly1238Trp)

Gene: MYH11 (myosin heavy chain 11; minus strand). Cytogenetic location: 16p13.11.
Variant type: single nucleotide variant.
Coding change: c.3712G>T on transcript NM_002474.3 (MANE Select); coding-DNA position 3712, G replaced by T.
Protein change: p.Gly1238Trp; replaces glycine 1238 with tryptophan.
Molecular consequence: missense variant.
Genome position (GRCh38, 1-based): chr16:15,726,994, C>A on the plus strand (G>T on the coding strand, the complement: MYH11 is on the minus strand). VCF-style: chr16-15726994-C-A. GRCh37 (hg19) VCF-style: chr16-15820851-C-A.
Other names: c.3733G>T, p.Gly1245Trp (NM_001040113.2, NM_001040114.2); c.3712G>T, p.Gly1238Trp (NM_022844.3); short protein forms G1238W, G1245W.
Identifiers: ClinVar variation 629746 (VCV000629746.8), dbSNP rs558332944, ClinGen allele CA394860219.